The following is an entry in ClinVar:

ClinVar aggregate classification (germline): Pathogenic (1 of 4 stars; one submission).

Conditions:
Nephronophthisis. Also called: Juvenile Nephronophthisis. Identifiers: Orphanet 655, MedGen C0687120, MONDO:0019005, HP:0000090.
Jeune thoracic dystrophy. Also called: Jeune syndrome; Infantile thoracic dystrophy; Thoracic pelvic phalangeal dystrophy; Jeune's syndrome; Chondroectodermal dysplasia-like syndrome; Short-rib thoracic dysplasia. Identifiers: Orphanet 474, MedGen C0265275, MONDO:0018770.

Submission:

Labcorp Genetics (formerly Invitae), Labcorp
Classification: Pathogenic for Jeune thoracic dystrophy; Nephronophthisis. Last evaluated: 2024-01-25. Review status: criteria provided, single submitter. Criteria: Invitae Variant Classification Sherloc (09022015). Collection method: clinical testing. Allele origin: germline.
Comment: This sequence change creates a premature translational stop signal (p.Glu271Lysfs*49) in the TTC21B gene. It is expected to result in an absent or disrupted protein product. Loss-of-function variants in TTC21B are known to be pathogenic (PMID: 18327258, 21068128, 21258341, 23559409, 24876116, 25492405, 27491411, 29068549). This variant is not present in population databases (gnomAD no frequency). This variant has not been reported in the literature in individuals affected with TTC21B-related conditions. For these reasons, this variant has been classified as Pathogenic.

Literature cited by the submitters: PubMed 18327258; PubMed 21068128; PubMed 21258341; PubMed 23559409; PubMed 24876116; PubMed 25492405; PubMed 27491411; PubMed 29068549.

NM_024753.5(TTC21B):c.811del (p.Glu271fs)

Gene: TTC21B (tetratricopeptide repeat domain 21B; minus strand). Cytogenetic location: 2q24.3.
Variant type: Deletion.
Coding change: c.811del on transcript NM_024753.5 (MANE Select); coding-DNA position 811, one base deleted (G; older notation c.811delG).
Protein change: p.Glu271fs; shifts the reading frame from glutamic acid 271.
Molecular consequence: frameshift variant.
Genome position (GRCh38, 1-based): chr2:165,931,841, C deleted on the plus strand (G on the coding strand, the reverse complement: TTC21B is on the minus strand); the first of 2 consecutive C bases (chr2:165,931,841-165,931,842); deleting either gives the same sequence. VCF-style (leftmost placement, unchanged base first): chr2-165931840-TC-T. GRCh37 (hg19) VCF-style: chr2-166788350-TC-T.
Other names: short protein forms E271fs.
Identifiers: ClinVar variation 3753546 (VCV003753546.2).